The following is an entry in ClinVar:

NM_139276.3(STAT3):c.1230_1233+1del

Gene: STAT3 (signal transducer and activator of transcription 3; minus strand). Cytogenetic location: 17q21.2.
Variant type: Deletion.
Coding change: c.1230_1233+1del on transcript NM_139276.3 (MANE Select); coding-DNA position 1230 through the canonical splice donor site of the intron after coding-DNA position 1233, 5 bases deleted (CTTGG; older notation c.1230_1233+1delCTTGG).
Molecular consequence: splice donor variant.
Genome position (GRCh38, 1-based): chr17:42,329,553-42,329,557, CCAAG deleted on the plus strand (CTTGG on the coding strand, the reverse complement: STAT3 is on the minus strand). VCF-style (leftmost placement, unchanged base first): chr17-42329552-ACCAAG-A. GRCh37 (hg19) VCF-style: chr17-40481570-ACCAAG-A.
Other names: c.1134_1137+1del (NM_001384989.1); c.1170_1173+1del (NM_001384992.1); c.1230_1233+1del (NM_001384984.1, NM_001369519.1, NM_003150.4 and 12 more transcripts); c.1152_1155+1del (NM_001384985.1); c.1245_1248+1del (NM_001384986.1, NM_001384990.1).
Identifiers: ClinVar variation 3347814 (VCV003347814.1).

ClinVar aggregate classification (germline): Uncertain significance (0 of 4 stars; one submission).

Conditions:
STAT3-related disorder. Also called: STAT3-related condition.

Submission:

PreventionGenetics, part of Exact Sciences
Classification: Uncertain significance for STAT3-related condition. Last evaluated: 2024-05-08. Review status: no assertion criteria provided. Collection method: clinical testing. Allele origin: germline.
Comment: The STAT3 c.1230_1233+1del5 variant is predicted to result in a deletion affecting a canonical splice site. This variant overlaps the canonical splice donor site and is predicted to impact splicing (SpliceAI, Jaganathan et al. 2019. PubMed ID: 30661751). To our knowledge, this variant has not been reported in the literature or in a large population database, indicating this variant is rare. Although we suspect that this variant may be pathogenic, at this time, the clinical significance of this variant is uncertain due to the absence of conclusive functional and genetic evidence.